The following is an entry in ClinVar:

ClinVar aggregate classification (germline): Conflicting classifications of pathogenicity. Review status: criteria provided, conflicting classifications (1 of 4 stars). 4 submissions from 4 submitters: Uncertain significance (1); Likely benign (2). 1 of the submissions does not count toward it. Last evaluated 2025-11-04.

Conditions:
Sucrase-isomaltase deficiency (CSID). Also called: Congenital sucrose isomaltose malabsorption; Sucrose isomaltose enzyme deficiency; SI DEFICIENCY; Deficiency of isomaltase. Identifiers: Orphanet 35122, MedGen C1283620, MONDO:0009114, OMIM 222900.
SI-related disorder. Also called: SI-related condition.

Allele frequency attached by ClinVar (database versions not stated): TOPMed 0.00002; 1000 Genomes Project 30x 0.00016.
gnomAD v4.1: 46 of 1,612,850 alleles (0.0029%); highest among the groups gnomAD compares: African/African-American, 0.039%; 1 homozygote.

Submissions (4):

Labcorp Genetics (formerly Invitae), Labcorp
Classification: Likely benign. Last evaluated: 2025-11-04. Review status: criteria provided, single submitter. Criteria: Invitae Variant Classification Sherloc (09022015). Collection method: clinical testing. Allele origin: germline.

Blueprint Genetics
Classification: Likely benign. Last evaluated: 2024-09-13. Review status: criteria provided, single submitter. Criteria: ACMG Guidelines, 2015. Collection method: clinical testing. Allele origin: germline.

Illumina Laboratory Services, Illumina
Classification: Uncertain significance for Sucrase-isomaltase deficiency. Last evaluated: 2018-01-12. Review status: criteria provided, single submitter. Criteria: ICSL Variant Classification Criteria 13 December 2019. Collection method: clinical testing. Allele origin: germline.

PreventionGenetics, part of Exact Sciences
Classification: Likely benign for SI-related condition. Last evaluated: 2024-08-26. Review status: no assertion criteria provided. Collection method: clinical testing. Allele origin: germline. Not counted in ClinVar's aggregate classification.
Comment: This variant is classified as likely benign based on ACMG/AMP sequence variant interpretation guidelines (Richards et al. 2015 PMID: 25741868, with internal and published modifications).

NM_001041.4(SI):c.3540T>C (p.Thr1180=)

Gene: SI (sucrase-isomaltase; minus strand). Cytogenetic location: 3q26.1.
Variant type: single nucleotide variant.
Coding change: c.3540T>C on transcript NM_001041.4 (MANE Select); coding-DNA position 3540, T replaced by C.
Protein change: p.Thr1180=; no amino-acid change (threonine 1180 retained).
Molecular consequence: synonymous variant.
Genome position (GRCh38, 1-based): chr3:165,017,854, A>G on the plus strand (T>C on the coding strand, the complement: SI is on the minus strand). VCF-style: chr3-165017854-A-G. GRCh37 (hg19) VCF-style: chr3-164735642-A-G.
Identifiers: ClinVar variation 344027 (VCV000344027.14), dbSNP rs759754319, ClinGen allele CA2690224.